The following is an entry in ClinVar:

ClinVar aggregate classification (germline): Uncertain significance. Review status: criteria provided, multiple submitters, no conflicts (2 of 4 stars). 2 submissions from 2 submitters: Uncertain significance (2). Last evaluated 2025-04-10.

Conditions:
Congenital disorder of glycosylation type Ir (CDG1R). Also called: DDOST-congenital disorder of glycosylation. Identifiers: Orphanet 300536, MedGen C3281084, MONDO:0013789, OMIM 614507.

Allele frequency attached by ClinVar (database versions not stated): gnomAD exomes below 0.00001; TOPMed 0.00001.
gnomAD v4.1: 4 of 1,612,438 alleles (0.00025%); highest among the groups gnomAD compares: African/African-American, 0.0027%; no homozygotes.

Submissions (2):

Ambry Genetics
Classification: Uncertain significance. Last evaluated: 2025-04-10. Review status: criteria provided, single submitter. Criteria: Ambry Variant Classification Scheme 2023. Collection method: clinical testing. Allele origin: germline.

Labcorp Genetics (formerly Invitae), Labcorp
Classification: Uncertain significance for Congenital disorder of glycosylation type Ir. Last evaluated: 2021-12-02. Review status: criteria provided, single submitter. Criteria: Invitae Variant Classification Sherloc (09022015). Collection method: clinical testing. Allele origin: germline.
Comment: This sequence change replaces phenylalanine, which is neutral and non-polar, with valine, which is neutral and non-polar, at codon 12 of the DDOST protein (p.Phe12Val). This variant is present in population databases (no rsID available, gnomAD no frequency). This variant has not been reported in the literature in individuals affected with DDOST-related conditions. Algorithms developed to predict the effect of missense changes on protein structure and function (SIFT, PolyPhen-2, Align-GVGD) all suggest that this variant is likely to be tolerated. In summary, the available evidence is currently insufficient to determine the role of this variant in disease. Therefore, it has been classified as a Variant of Uncertain Significance.

NM_005216.5(DDOST):c.-18T>G

Gene: DDOST (dolichyl-diphosphooligosaccharide--protein glycosyltransferase non-catalytic subunit; minus strand). Cytogenetic location: 1p36.12.
Variant type: single nucleotide variant.
Coding change: c.-18T>G on transcript NM_005216.5 (MANE Select); 18 bases upstream of the start codon, T replaced by G.
Molecular consequence: 5 prime UTR variant.
Genome position (GRCh38, 1-based): chr1:20,661,368, A>C on the plus strand (T>G on the coding strand, the complement: DDOST is on the minus strand). VCF-style: chr1-20661368-A-C. GRCh37 (hg19) VCF-style: chr1-20987861-A-C.
Other names: c.34T>G (NM_005216.4).
Identifiers: ClinVar variation 1483950 (VCV001483950.7), dbSNP rs1196325942, ClinGen allele CA338856797.